The following is an entry in ClinVar:

ClinVar aggregate classification (germline): Pathogenic. Review status: reviewed by expert panel (3 of 4 stars). 2 submissions from 2 submitters: Pathogenic (1). 1 of the submissions does not count toward it. Last evaluated 2017-12-15.

Conditions:
Breast-ovarian cancer, familial, susceptibility to, 2 (BROVCA2). Also called: BRCA2 Hereditary Breast and Ovarian Cancer. Identifiers: Orphanet 145, MedGen C2675520, MONDO:0012933, OMIM 612555. Disease mechanism: loss of function.
Familial cancer of breast. Also called: BREAST CANCER, FAMILIAL; Hereditary breast cancer; hereditary breast carcinoma. Identifiers: Orphanet 227535, MedGen C0346153, MONDO:0016419, OMIM 114480. Disease mechanism: loss of function.

Submissions (2):

Evidence-based Network for the Interpretation of Germline Mutant Alleles (ENIGMA)
Classification: Pathogenic for Breast-ovarian cancer, familial, susceptibility to, 2. Last evaluated: 2017-12-15. Review status: reviewed by expert panel. Criteria: ENIGMA BRCA1/2 Classification Criteria (2017-06-29). Collection method: curation. Allele origin: germline. Study: ENIGMA.
Comment: Variant allele predicted to encode a truncated non-functional protein.

ClinVar Staff, National Center for Biotechnology Information (NCBI)
No classification provided. Condition: Familial cancer of breast. Review status: no classification provided. Collection method: literature only. Allele origin: germline. Affected: yes. Not counted in ClinVar's aggregate classification.

Literature cited by the submitters: PubMed 22798144 (cited by ClinVar Staff, National Center for Biotechnology Information (NCBI)).

NM_000059.4(BRCA2):c.4593del (p.Val1532fs)

Gene: BRCA2 (BRCA2 DNA repair associated; plus strand). Cytogenetic location: 13q13.1.
Variant type: Deletion.
Coding change: c.4593del on transcript NM_000059.4 (MANE Select); coding-DNA position 4593, one base deleted (A; older notation c.4593delA).
Protein change: p.Val1532fs; shifts the reading frame from valine 1532.
Molecular consequence: frameshift variant.
Genome position (GRCh38, 1-based): chr13:32,338,948, A deleted; the last of 6 consecutive A bases (chr13:32,338,943-32,338,948); deleting any one gives the same sequence. VCF-style (leftmost placement, unchanged base first): chr13-32338942-GA-G. GRCh37 (hg19) VCF-style: chr13-32913079-GA-G.
Other names: c.4593delA (NM_000059.3); short protein forms V1532fs.
Identifiers: ClinVar variation 51680 (VCV000051680.3), dbSNP rs397507731, ClinGen allele CA020516.